The following is an entry in ClinVar:

Conditions:
Breast-ovarian cancer, familial, susceptibility to, 1 (BROVCA1). Also called: BRCA1 Hereditary Breast and Ovarian Cancer; OVARIAN CANCER, SUSCEPTIBILITY TO. Identifiers: Orphanet 145, MedGen C2676676, MONDO:0011450, OMIM 604370. Disease mechanism: loss of function.

Submission:

Brotman Baty Institute, University of Washington
No classification provided (evidence only). Condition: Breast-ovarian cancer, familial 1. Review status: no classification provided. Collection method: in vitro. Allele origin: not applicable. Functional consequence: functionally_normal.
ClinVar note: "not provided" was previously submitted as the classification for the variant. However, the classification appeared to be based only on an observation of functional data so it was converted to no classification on 2025-07-30.

NM_007294.4(BRCA1):c.5183T>G (p.Met1728Arg)

Gene: BRCA1 (BRCA1 DNA repair associated; minus strand). Cytogenetic location: 17q21.31.
Variant type: single nucleotide variant.
Coding change: c.5183T>G on transcript NM_007294.4 (MANE Select); coding-DNA position 5183, T replaced by G.
Protein change: p.Met1728Arg; replaces methionine 1728 with arginine.
Molecular consequence: missense variant. On other transcripts: non-coding transcript variant (1).
Genome position (GRCh38, 1-based): chr17:43,063,343, A>C on the plus strand (T>G on the coding strand, the complement: BRCA1 is on the minus strand). VCF-style: chr17-43063343-A-C. GRCh37 (hg19) VCF-style: chr17-41215360-A-C.
Other names: c.4850T>G, p.Met1617Arg (NM_001407946.1, NM_001407947.1, NM_001407948.1 and 1 more transcripts); c.4847T>G, p.Met1616Arg (NM_001407950.1, NM_001407951.1, NM_001407952.1 and 3 more transcripts); c.4676T>G, p.Met1559Arg (NM_001407965.1); c.4295T>G, p.Met1432Arg (NM_001407966.1); c.4292T>G, p.Met1431Arg (NM_001407967.1); c.2579T>G, p.Met860Arg (NM_001407968.1); c.2576T>G, p.Met859Arg (NM_001407969.1); c.1940T>G, p.Met647Arg (NM_001407970.1, NM_001407971.1); and 72 more; short protein forms M1681R, M1728R, M1749R, M624R, M1432R, M1559R, M1599R, M1679R.
Identifiers: ClinVar variation 867780 (VCV000867780.3), dbSNP rs2051858178, ClinGen allele CA10591175.